The following is an entry in ClinVar:

ClinVar aggregate classification (germline): Uncertain significance (1 of 4 stars; one submission).

Allele frequency attached by ClinVar (database versions not stated): gnomAD exomes below 0.00001; TOPMed below 0.00001.
gnomAD v4.1: 1 of 1,612,806 alleles (0.000062%); highest among the groups gnomAD compares: Non-Finnish European, 0.000085%; no homozygotes.

Submission:

Labcorp Genetics (formerly Invitae), Labcorp
Classification: Uncertain significance. Last evaluated: 2022-02-10. Review status: criteria provided, single submitter. Criteria: Invitae Variant Classification Sherloc (09022015). Collection method: clinical testing. Allele origin: germline.
Comment: In summary, the available evidence is currently insufficient to determine the role of this variant in disease. Therefore, it has been classified as a Variant of Uncertain Significance. Algorithms developed to predict the effect of missense changes on protein structure and function are either unavailable or do not agree on the potential impact of this missense change (SIFT: "Deleterious"; PolyPhen-2: "Probably Damaging"; Align-GVGD: "Class C0"). This variant has not been reported in the literature in individuals affected with PACS2-related conditions. This variant is not present in population databases (gnomAD no frequency). This sequence change replaces aspartic acid, which is acidic and polar, with glycine, which is neutral and non-polar, at codon 869 of the PACS2 protein (p.Asp869Gly).

NM_001100913.3(PACS2):c.2606A>G (p.Asp869Gly)

Gene: PACS2 (phosphofurin acidic cluster sorting protein 2; plus strand). Cytogenetic location: 14q32.33.
Variant type: single nucleotide variant.
Coding change: c.2606A>G on transcript NM_001100913.3 (MANE Select); coding-DNA position 2606, A replaced by G.
Protein change: p.Asp869Gly; replaces aspartic acid 869 with glycine.
Molecular consequence: missense variant.
Genome position (GRCh38, 1-based): chr14:105,394,563, A>G. VCF-style: chr14-105394563-A-G. GRCh37 (hg19) VCF-style: chr14-105860900-A-G.
Other names: c.2336A>G, p.Asp779Gly (NM_001243127.3); c.2561A>G, p.Asp854Gly (NM_015197.4); short protein forms D869G, D779G, D854G.
Identifiers: ClinVar variation 1468518 (VCV001468518.8), dbSNP rs2081481309, ClinGen allele CA391190434.